The following is an entry in ClinVar:

NM_018406.7(MUC4):c.8268C>T (p.Thr2756=)

Gene: MUC4 (mucin 4, cell surface associated). Cytogenetic location: 3q29.
Variant type: single nucleotide variant.
Coding change: c.8268C>T on transcript NM_018406.7 (MANE Select); coding-DNA position 8268, C replaced by T.
Protein change: p.Thr2756=; no amino-acid change (threonine 2756 retained).
Molecular consequence: synonymous variant. On other transcripts: genic upstream transcript variant (2).
Genome position (GRCh38, 1-based): chr3:195,783,312, G>A on the plus strand (C>T on the coding strand, the complement: MUC4 is on the minus strand). VCF-style: chr3-195783312-G-A. GRCh37 (hg19) VCF-style: chr3-195510183-G-A.
Other names: c.12027C>T, p.Thr4009= (NM_001322468.1); c.83-9007C>T (NM_138297.5); c.83-4857C>T (NM_004532.6).
Identifiers: ClinVar variation 2654450 (VCV002654450.24), dbSNP rs199588695, ClinGen allele CA2771711.

ClinVar aggregate classification (germline): Likely benign (1 of 4 stars; one submission).

Allele frequency attached by ClinVar (database versions not stated): ExAC 0.00111.

Submission:

CeGaT Center for Human Genetics Tuebingen
Classification: Likely benign. Last evaluated: 2022-09-01. Review status: criteria provided, single submitter. Criteria: CeGaT Center For Human Genetics Tuebingen Variant Classification Criteria Version 2. Collection method: clinical testing. Allele origin: germline. Affected: yes. Observed: 1 variant allele.
Comment: MUC4: BP4, BP7